The following is an entry in ClinVar:

NM_001105206.3(LAMA4):c.3414+7A>C

Gene: LAMA4 (laminin subunit alpha 4; minus strand). Cytogenetic location: 6q21.
Variant type: single nucleotide variant.
Coding change: c.3414+7A>C on transcript NM_001105206.3 (MANE Select); 7 bases into the intron after coding-DNA position 3414, A replaced by C.
Molecular consequence: intron variant.
Genome position (GRCh38, 1-based): chr6:112,136,116, T>G on the plus strand (A>C on the coding strand, the complement: LAMA4 is on the minus strand). VCF-style: chr6-112136116-T-G. GRCh37 (hg19) VCF-style: chr6-112457318-T-G.
Other names: c.3393+7A>C (LRG_433t2, NM_002290.5, NM_001105207.3).
Identifiers: ClinVar variation 386497 (VCV000386497.1), dbSNP rs992517796, ClinGen allele CA16604837.

ClinVar aggregate classification (germline): Likely benign (1 of 4 stars; one submission).

Allele frequency attached by ClinVar (database versions not stated): gnomAD 0.00001; TOPMed 0.00003 and 0.00002.
gnomAD v4.1: 26 of 1,611,216 alleles (0.0016%); highest among the groups gnomAD compares: Non-Finnish European, 0.0021%; no homozygotes.

Submission:

GeneDx
Classification: Likely benign. Last evaluated: 2016-05-20. Review status: criteria provided, single submitter. Criteria: GeneDx Variant Classification (06012015). Collection method: clinical testing. Allele origin: germline. Affected: yes.
Comment: This variant is considered likely benign or benign based on one or more of the following criteria: it is a conservative change, it occurs at a poorly conserved position in the protein, it is predicted to be benign by multiple in silico algorithms, and/or has population frequency not consistent with disease.